The following is an entry in ClinVar:

NM_002734.5(PRKAR1A):c.283A>T (p.Arg95Trp)

Gene: PRKAR1A (protein kinase cAMP-dependent type I regulatory subunit alpha; plus strand). Cytogenetic location: 17q24.2.
Variant type: single nucleotide variant.
Coding change: c.283A>T on transcript NM_002734.5 (MANE Select); coding-DNA position 283, A replaced by T.
Protein change: p.Arg95Trp; replaces arginine 95 with tryptophan.
Molecular consequence: missense variant.
Genome position (GRCh38, 1-based): chr17:68,522,861, A>T. VCF-style: chr17-68522861-A-T. GRCh37 (hg19) VCF-style: chr17-66519002-A-T.
Other names: c.283A>T, p.Arg95Trp (NM_001276289.2, NM_001276290.1, NM_001278433.2 and 4 more transcripts); short protein forms R95W.
Identifiers: ClinVar variation 3720822 (VCV003720822.2).
Genomic context (GRCh38, chr17:68,522,861, plus strand): 5'-ACAGACTCAAGGGAGGATGAGATTTCTCCTCCTCCACCCAACCCAGTGGTTAAAGGTAGG[A>T]GGCGACGAGGTGCTATCAGCGCTGAGGTCTACACGGAGGAAGATGCGGCATCCTATGTTA-3'
Protein context (NP_002725.1, residues 85-105): PPPNPVVKGR[Arg95Trp]RRGAISAEVY

ClinVar aggregate classification (germline): Uncertain significance (1 of 4 stars; one submission).

Conditions:
Carney complex, type 1 (CNC1). Also called: CARNEY MYXOMA-ENDOCRINE COMPLEX; CARNEY COMPLEX, TYPE I. Identifiers: Orphanet 1359, MedGen C2607929, MONDO:0008057, OMIM 160980.

Submission:

Labcorp Genetics (formerly Invitae), Labcorp
Classification: Uncertain significance for Carney complex, type 1. Last evaluated: 2025-01-29. Review status: criteria provided, single submitter. Criteria: Invitae Variant Classification Sherloc (09022015). Collection method: clinical testing. Allele origin: germline.
Comment: This sequence change replaces arginine, which is basic and polar, with tryptophan, which is neutral and slightly polar, at codon 95 of the PRKAR1A protein (p.Arg95Trp). This variant is not present in population databases (gnomAD no frequency). This variant has not been reported in the literature in individuals affected with PRKAR1A-related conditions. Invitae Evidence Modeling of protein sequence and biophysical properties (such as structural, functional, and spatial information, amino acid conservation, physicochemical variation, residue mobility, and thermodynamic stability) has been performed for this missense variant. However, the output from this modeling did not meet the statistical confidence thresholds required to predict the impact of this variant on PRKAR1A protein function. Algorithms developed to predict the effect of sequence changes on RNA splicing suggest that this variant may disrupt the consensus splice site. In summary, the available evidence is currently insufficient to determine the role of this variant in disease. Therefore, it has been classified as a Variant of Uncertain Significance.